The following is an entry in ClinVar:

ClinVar aggregate classification (germline): Benign. Review status: criteria provided, multiple submitters, no conflicts (2 of 4 stars). 6 submissions from 6 submitters: Benign (6). Last evaluated 2026-01-28.

Conditions:
Combined oxidative phosphorylation defect type 4. Identifiers: Orphanet 254925, MedGen C1857682, MONDO:0012534, OMIM 610678.

Allele frequency attached by ClinVar (database versions not stated): gnomAD exomes 0.00479 and 0.00897; ExAC 0.01068; gnomAD 0.02671 and 0.02831; 1000 Genomes Project 0.02835; ESP Exome Variant Server 0.02978; 1000 Genomes Project 30x 0.02983; TOPMed 0.03019.
gnomAD v4.1: 11,333 of 1,614,142 alleles (0.7%); highest among the groups gnomAD compares: African/African-American, 8.7%; 335 homozygotes.

Submissions (6):

Labcorp Genetics (formerly Invitae), Labcorp
Classification: Benign. Last evaluated: 2026-01-28. Review status: criteria provided, single submitter. Criteria: Invitae Variant Classification Sherloc (09022015). Collection method: clinical testing. Allele origin: germline.

ARUP Laboratories, Molecular Genetics and Genomics, ARUP Laboratories
Classification: Benign for Combined oxidative phosphorylation defect type 4. Last evaluated: 2023-11-06. Review status: criteria provided, single submitter. Criteria: ARUP Molecular Germline Variant Investigation Process 2024. Collection method: clinical testing. Allele origin: germline.

Mayo Clinic Laboratories, Mayo Clinic
Classification: Benign. Last evaluated: 2022-04-21. Review status: criteria provided, single submitter. Criteria: ACMG Guidelines, 2015. Collection method: clinical testing. Allele origin: germline. Observed: 15 variant alleles.

Illumina Laboratory Services, Illumina
Classification: Benign for Combined oxidative phosphorylation defect type 4. Last evaluated: 2018-01-12. Review status: criteria provided, single submitter. Criteria: ICSL Variant Classification Criteria 13 December 2019. Collection method: clinical testing. Allele origin: germline.
Comment: This variant was observed in the ICSL laboratory as part of a predisposition screen in an ostensibly healthy population. It had not been previously curated by ICSL or reported in the Human Gene Mutation Database (HGMD: prior to June 1st, 2018), and was therefore a candidate for classification through an automated scoring system. Utilizing variant allele frequency, disease prevalence and penetrance estimates, and inheritance mode, an automated score was calculated to assess if this variant is too frequent to cause the disease. Based on the score and internal cut-off values, a variant classified as benign is not then subjected to further curation. The score for this variant resulted in a classification of benign for this disease.

GeneDx
Classification: Benign. Last evaluated: 2014-04-17. Review status: criteria provided, single submitter. Criteria: GeneDx Variant Classification (06012015). Collection method: clinical testing. Allele origin: germline. Affected: yes.
Comment: This variant is considered likely benign or benign based on one or more of the following criteria: it is a conservative change, it occurs at a poorly conserved position in the protein, it is predicted to be benign by multiple in silico algorithms, and/or has population frequency not consistent with disease.

Breakthrough Genomics
Classification: Benign. Review status: criteria provided, single submitter. Criteria: ACMG Guidelines, 2015. Collection method: not provided. Allele origin: germline. Inheritance: Autosomal recessive inheritance. Affected: yes.

NM_003321.5(TUFM):c.198C>T (p.Ile66=)

Gene: TUFM (Tu translation elongation factor, mitochondrial; minus strand). Cytogenetic location: 16p11.2.
Variant type: single nucleotide variant.
Coding change: c.198C>T on transcript NM_003321.5 (MANE Select); coding-DNA position 198, C replaced by T.
Protein change: p.Ile66=; no amino-acid change (isoleucine 66 retained).
Molecular consequence: synonymous variant.
Genome position (GRCh38, 1-based): chr16:28,845,961, G>A on the plus strand (C>T on the coding strand, the complement: TUFM is on the minus strand). VCF-style: chr16-28845961-G-A. GRCh37 (hg19) VCF-style: chr16-28857282-G-A.
Other names: p.I66I:ATC>ATT; p.Ile66=; c.198C>T, p.Ile66= (NM_001365360.2).
Identifiers: ClinVar variation 137862 (VCV000137862.22), dbSNP rs11542257, ClinGen allele CA291542.